The following is an entry in ClinVar:

NM_000368.5(TSC1):c.238G>T (p.Val80Leu)

Gene: TSC1 (TSC complex subunit 1; minus strand). Cytogenetic location: 9q34.13.
Variant type: single nucleotide variant.
Coding change: c.238G>T on transcript NM_000368.5 (MANE Select); coding-DNA position 238, G replaced by T.
Protein change: p.Val80Leu; replaces valine 80 with leucine.
Molecular consequence: missense variant. On other transcripts: 5 prime UTR variant (18), non-coding transcript variant (5), intron variant (5).
Genome position (GRCh38, 1-based): chr9:132,925,712, C>A on the plus strand (G>T on the coding strand, the complement: TSC1 is on the minus strand). VCF-style: chr9-132925712-C-A. GRCh37 (hg19) VCF-style: chr9-135801099-C-A.
Other names: c.238G>T, p.Val80Leu (NM_001162426.2, NM_001406592.1, NM_001406593.1 and 16 more transcripts); c.-126G>T (NM_001362177.2, NM_001406617.1, NM_001406618.1 and 5 more transcripts); c.-218G>T (NM_001406614.1, NM_001406616.1, NM_001406624.1); c.-251G>T (NM_001406615.1, NM_001406623.1); c.-640G>T (NM_001406626.1, NM_001406627.1, NM_001406628.1); c.-782G>T (NM_001406629.1); c.-856G>T (NM_001406630.1); c.210+1489G>T (NM_001406613.1, NM_001406612.1, NM_001406610.1 and 2 more transcripts); short protein forms V80L.
Identifiers: ClinVar variation 5031233 (VCV005031233.1).

ClinVar aggregate classification (germline): Uncertain significance (1 of 4 stars; one submission).

Conditions:
Hereditary cancer-predisposing syndrome. Also called: Neoplastic Syndromes, Hereditary; Tumor predisposition; Hereditary neoplastic syndrome; Hereditary Cancer Syndrome. Identifiers: Orphanet 140162, MedGen C0027672, MeSH D009386, MONDO:0015356.

Submission:

Ambry Genetics
Classification: Uncertain significance for Hereditary cancer-predisposing syndrome. Last evaluated: 2026-07-12. Review status: criteria provided, single submitter. Criteria: Ambry Variant Classification Scheme 2023. Collection method: clinical testing. Allele origin: germline.
Comment: The p.V80L variant (also known as c.238G>T), located in coding exon 3 of the TSC1 gene, results from a G to T substitution at nucleotide position 238. The valine at codon 80 is replaced by leucine, an amino acid with highly similar properties. This amino acid position is conserved. In addition, this alteration is predicted to be tolerated by in silico analysis. Based on the available evidence, the clinical significance of this variant remains unclear.